The following is an entry in ClinVar:

NM_006648.4(WNK2):c.5730G>C (p.Glu1910Asp)

Gene: WNK2 (WNK lysine deficient protein kinase 2; plus strand). Cytogenetic location: 9q22.31.
Variant type: single nucleotide variant.
Coding change: c.5730G>C on transcript NM_006648.4 (MANE Select); coding-DNA position 5730, G replaced by C.
Protein change: p.Glu1910Asp; replaces glutamic acid 1910 with aspartic acid.
Molecular consequence: missense variant.
Genome position (GRCh38, 1-based): chr9:93,297,874, G>C. VCF-style: chr9-93297874-G-C. GRCh37 (hg19) VCF-style: chr9-96060156-G-C.
Other names: c.5841G>C, p.Glu1947Asp (NM_001282394.3); short protein forms E1910D, E1947D.
Identifiers: ClinVar variation 4866735 (VCV004866735.1).
Genomic context (GRCh38, chr9:93,297,874, plus strand): 5'-AGGAAGCCCATCGGCGCTCCCTCCTGTCCCCTCCTGCAGGCACCTGAAGGAGATCTCGGA[G>C]CTGCAGAGCCAGCAGAAGCAGGAGATCGAAGCTCTGTACCGCCGCCTGGGCAAGCCACTG-3'
Protein context (NP_006639.3, residues 1900-1920): LREKHLKEIS[Glu1910Asp]LQSQQKQEIE

ClinVar aggregate classification (germline): Uncertain significance (1 of 4 stars; one submission).

Submission:

Ambry Genetics
Classification: Uncertain significance. Last evaluated: 2026-06-05. Review status: criteria provided, single submitter. Criteria: Ambry Variant Classification Scheme 2023. Collection method: clinical testing. Allele origin: germline.
Comment: The p.E1910D variant (also known as c.5730G>C), located in coding exon 23 of the WNK2 gene, results from a G to C substitution at nucleotide position 5730. The glutamic acid at codon 1910 is replaced by aspartic acid, an amino acid with highly similar properties. This amino acid position is conserved. In addition, this alteration is predicted to be tolerated by in silico analysis. Based on the available evidence, the clinical significance of this variant remains unclear.